The following is an entry in ClinVar:

NM_152564.5(VPS13B):c.1724_1726dup (p.Lys575_Ser576insLys)

Gene: VPS13B (vacuolar protein sorting 13 homolog B; plus strand). Cytogenetic location: 8q22.2.
Variant type: Duplication.
Coding change: c.1724_1726dup on transcript NM_152564.5 (MANE Select); coding-DNA positions 1724 to 1726, 3 bases duplicated (AAA; older notation c.1724_1726dupAAA).
Protein change: p.Lys575_Ser576insLys.
Molecular consequence: inframe insertion. On other transcripts: inframe indel (1).
Genome position (GRCh38, 1-based): chr8:99,143,046-99,143,048, AAA duplicated; duplicating any 3 consecutive bases within chr8:99,143,045-99,143,048 gives the same sequence; the c. name uses the placement nearest the transcript's 3' end. VCF-style (leftmost placement, unchanged base first): chr8-99143044-C-CAAA. GRCh37 (hg19) VCF-style: chr8-100155272-C-CAAA.
Other names: c.1724_1726dup, p.Lys575_Ser576insLys (NM_015243.3, NM_017890.5); c.1724_1726dupAAA (NM_152564.4).
Identifiers: ClinVar variation 5002281 (VCV005002281.1).

ClinVar aggregate classification (germline): Uncertain significance (1 of 4 stars; one submission).

Conditions:
VPS13B-related disorder. Also called: VPS13B-related condition.

Submission:

PreventionGenetics, part of Exact Sciences
Classification: Uncertain significance for VPS13B-related condition. Last evaluated: 2024-11-09. Review status: criteria provided, single submitter. Criteria: ACMG Guidelines, 2015. Collection method: clinical testing. Allele origin: germline.
Comment: The VPS13B c.1724_1726dupAAA variant is predicted to result in an in-frame duplication (p.Lys575dup). To our knowledge, this variant has not been reported in the literature or in a large population database (gnomAD), indicating this variant is rare. At this time, the clinical significance of this variant is uncertain due to the absence of conclusive functional and genetic evidence.